The following is an entry in ClinVar:

NM_173630.4(RTTN):c.1273T>G (p.Trp425Gly)

Gene: RTTN (rotatin; minus strand). Cytogenetic location: 18q22.2.
Variant type: single nucleotide variant.
Coding change: c.1273T>G on transcript NM_173630.4 (MANE Select); coding-DNA position 1273, T replaced by G.
Protein change: p.Trp425Gly; replaces tryptophan 425 with glycine.
Molecular consequence: missense variant. On other transcripts: 5 prime UTR variant (1).
Genome position (GRCh38, 1-based): chr18:70,188,140, A>C on the plus strand (T>G on the coding strand, the complement: RTTN is on the minus strand). VCF-style: chr18-70188140-A-C. GRCh37 (hg19) VCF-style: chr18-67855376-A-C.
Other names: c.-1281T>G (NM_001318520.2); short protein forms W425G.
Identifiers: ClinVar variation 1378473 (VCV001378473.6), dbSNP rs200035293, ClinGen allele CA8996229.

ClinVar aggregate classification (germline): Uncertain significance (1 of 4 stars; one submission).

Allele frequency attached by ClinVar (database versions not stated): gnomAD 0.00001; gnomAD exomes 0.00001; ExAC 0.00002; 1000 Genomes Project 30x 0.00047; 1000 Genomes Project 0.00060.

Submission:

Labcorp Genetics (formerly Invitae), Labcorp
Classification: Uncertain significance. Last evaluated: 2025-03-31. Review status: criteria provided, single submitter. Criteria: Invitae Variant Classification Sherloc (09022015). Collection method: clinical testing. Allele origin: germline.
Comment: This sequence change replaces tryptophan, which is neutral and slightly polar, with glycine, which is neutral and non-polar, at codon 425 of the RTTN protein (p.Trp425Gly). This variant is present in population databases (rs200035293, gnomAD 0.01%). This variant has not been reported in the literature in individuals affected with RTTN-related conditions. ClinVar contains an entry for this variant (Variation ID: 1378473). Invitae Evidence Modeling of protein sequence and biophysical properties (such as structural, functional, and spatial information, amino acid conservation, physicochemical variation, residue mobility, and thermodynamic stability) indicates that this missense variant is expected to disrupt RTTN protein function with a positive predictive value of 80%. In summary, the available evidence is currently insufficient to determine the role of this variant in disease. Therefore, it has been classified as a Variant of Uncertain Significance.